The following is an entry in ClinVar:

ClinVar aggregate classification (germline): Uncertain significance (1 of 4 stars; one submission).

Conditions:
Neutropenia, severe congenital, 2, autosomal dominant. Identifiers: Orphanet 486, MedGen C2751288, MONDO:0013139, OMIM 613107.

Submission:

Labcorp Genetics (formerly Invitae), Labcorp
Classification: Uncertain significance for Neutropenia, severe congenital, 2, autosomal dominant. Last evaluated: 2025-12-31. Review status: criteria provided, single submitter. Criteria: Invitae Variant Classification Sherloc (09022015). Collection method: clinical testing. Allele origin: germline.
Comment: This sequence change falls in intron 5 of the GFI1 gene. It does not directly change the encoded amino acid sequence of the GFI1 protein. It affects a nucleotide within the consensus splice site. This variant is present in population databases (no rsID available, gnomAD 0.01%). This variant has not been reported in the literature in individuals affected with GFI1-related conditions. ClinVar contains an entry for this variant (Variation ID: 1940891). Variants that disrupt the consensus splice site are a relatively common cause of aberrant splicing (PMID: 17576681, 9536098). Algorithms developed to predict the effect of sequence changes on RNA splicing suggest that this variant is not likely to affect RNA splicing. In summary, the available evidence is currently insufficient to determine the role of this variant in disease. Therefore, it has been classified as a Variant of Uncertain Significance.

Literature cited by the submitters: PubMed 17576681; PubMed 9536098.

NM_005263.5(GFI1):c.924+6C>A

Gene: GFI1 (growth factor independent 1 transcriptional repressor; minus strand). Cytogenetic location: 1p22.1.
Variant type: single nucleotide variant.
Coding change: c.924+6C>A on transcript NM_005263.5 (MANE Select); 6 bases into the intron after coding-DNA position 924, C replaced by A.
Molecular consequence: intron variant.
Genome position (GRCh38, 1-based): chr1:92,480,342, G>T on the plus strand (C>A on the coding strand, the complement: GFI1 is on the minus strand). VCF-style: chr1-92480342-G-T. GRCh37 (hg19) VCF-style: chr1-92945899-G-T.
Other names: c.924+6C>A (NM_001127216.3, NM_001127215.3).
Identifiers: ClinVar variation 1940891 (VCV001940891.5), dbSNP rs1353929678, ClinGen allele CA524596442.